The following is an entry in ClinVar:

NM_004995.4(MMP14):c.1255C>G (p.Leu419Val)

Gene: MMP14 (matrix metallopeptidase 14; plus strand). Cytogenetic location: 14q11.2.
Variant type: single nucleotide variant.
Coding change: c.1255C>G on transcript NM_004995.4 (MANE Select); coding-DNA position 1255, C replaced by G.
Protein change: p.Leu419Val; replaces leucine 419 with valine.
Molecular consequence: missense variant.
Genome position (GRCh38, 1-based): chr14:22,844,734, C>G. VCF-style: chr14-22844734-C-G. GRCh37 (hg19) VCF-style: chr14-23313943-C-G.
Other names: c.1255C>G (NM_004995.2); short protein forms L419V.
Identifiers: ClinVar variation 1974490 (VCV001974490.6), dbSNP rs747959356, ClinGen allele CA7105417.

ClinVar aggregate classification (germline): Uncertain significance. Review status: criteria provided, multiple submitters, no conflicts (2 of 4 stars). 2 submissions from 2 submitters: Uncertain significance (2). Last evaluated 2025-11-26.

Conditions:
Inborn genetic diseases. Identifiers: MedGen C0950123, MeSH D030342.

Allele frequency attached by ClinVar (database versions not stated): ExAC 0.00002; gnomAD exomes 0.00002; TOPMed 0.00002; gnomAD 0.00003.

Submissions (2):

Ambry Genetics
Classification: Uncertain significance for Inborn genetic diseases. Last evaluated: 2025-11-26. Review status: criteria provided, single submitter. Criteria: Ambry Variant Classification Scheme 2023. Collection method: clinical testing. Allele origin: germline.

Labcorp Genetics (formerly Invitae), Labcorp
Classification: Uncertain significance. Last evaluated: 2022-10-23. Review status: criteria provided, single submitter. Criteria: Invitae Variant Classification Sherloc (09022015). Collection method: clinical testing. Allele origin: germline.
Comment: In summary, the available evidence is currently insufficient to determine the role of this variant in disease. Therefore, it has been classified as a Variant of Uncertain Significance. Advanced modeling of protein sequence and biophysical properties (such as structural, functional, and spatial information, amino acid conservation, physicochemical variation, residue mobility, and thermodynamic stability) performed at Invitae indicates that this missense variant is not expected to disrupt MMP14 protein function. This variant has not been reported in the literature in individuals affected with MMP14-related conditions. This variant is present in population databases (rs747959356, gnomAD 0.003%). This sequence change replaces leucine, which is neutral and non-polar, with valine, which is neutral and non-polar, at codon 419 of the MMP14 protein (p.Leu419Val).